The following is an entry in ClinVar:

ClinVar aggregate classification (germline): Conflicting classifications of pathogenicity. Review status: criteria provided, conflicting classifications (1 of 4 stars). 2 submissions from 2 submitters: Uncertain significance (1); Likely benign (1). Last evaluated 2026-06-06.

Conditions:
Cardiovascular phenotype. Identifiers: MedGen CN230736.

Allele frequency attached by ClinVar (database versions not stated): gnomAD exomes below 0.00001 and 0.00001; TOPMed below 0.00001.
gnomAD v4.1: 4 of 1,550,416 alleles (0.00026%); highest among the groups gnomAD compares: Non-Finnish European, 0.00035%; no homozygotes.

Submissions (2):

Ambry Genetics
Classification: Likely benign for Cardiovascular phenotype. Last evaluated: 2026-06-06. Review status: criteria provided, single submitter. Criteria: Ambry Variant Classification Scheme 2023. Collection method: clinical testing. Allele origin: germline.

Labcorp Genetics (formerly Invitae), Labcorp
Classification: Uncertain significance. Last evaluated: 2024-11-30. Review status: criteria provided, single submitter. Criteria: Invitae Variant Classification Sherloc (09022015). Collection method: clinical testing. Allele origin: germline.
Comment: This sequence change replaces glutamic acid, which is acidic and polar, with lysine, which is basic and polar, at codon 1734 of the ZNF469 protein (p.Glu1734Lys). This variant is present in population databases (no rsID available, gnomAD 0.004%). This variant has not been reported in the literature in individuals affected with ZNF469-related conditions. ClinVar contains an entry for this variant (Variation ID: 1368254). An algorithm developed to predict the effect of missense changes on protein structure and function outputs the following: PolyPhen-2: "Benign". The lysine amino acid residue is found in multiple mammalian species, which suggests that this missense change does not adversely affect protein function. In summary, the available evidence is currently insufficient to determine the role of this variant in disease. Therefore, it has been classified as a Variant of Uncertain Significance.

NM_001367624.2(ZNF469):c.5284G>A (p.Glu1762Lys)

Gene: ZNF469 (zinc finger protein 469; plus strand). Cytogenetic location: 16q24.2.
Variant type: single nucleotide variant.
Coding change: c.5284G>A on transcript NM_001367624.2 (MANE Select); coding-DNA position 5284, G replaced by A.
Protein change: p.Glu1762Lys; replaces glutamic acid 1762 with lysine.
Molecular consequence: missense variant.
Genome position (GRCh38, 1-based): chr16:88,432,754, G>A. VCF-style: chr16-88432754-G-A. GRCh37 (hg19) VCF-style: chr16-88499162-G-A.
Other names: NM_001127464.1:c.5200G>A; short protein forms E1762K.
Identifiers: ClinVar variation 1368254 (VCV001368254.5), dbSNP rs1413431356, ClinGen allele CA397096568.